The following is an entry in ClinVar:

NM_024529.5(CDC73):c.1418-302G>A

Gene: CDC73 (cell division cycle 73; plus strand). Cytogenetic location: 1q31.2.
Variant type: single nucleotide variant.
Coding change: c.1418-302G>A on transcript NM_024529.5 (MANE Select); 302 bases into the intron before coding-DNA position 1418, G replaced by A.
Molecular consequence: intron variant.
Genome position (GRCh38, 1-based): chr1:193,249,428, G>A. VCF-style: chr1-193249428-G-A. GRCh37 (hg19) VCF-style: chr1-193218558-G-A.
Identifiers: ClinVar variation 3718391 (VCV003718391.2).

ClinVar aggregate classification (germline): Uncertain significance (1 of 4 stars; one submission).

Conditions:
Parathyroid carcinoma (PRTC). Also called: Parathyroid gland carcinoma; CDC73-Related Parathyroid Carcinoma. Identifiers: Orphanet 143, MedGen C0687150, MONDO:0012004, OMIM 608266, HP:0006780.

gnomAD v4.1: 1 of 151,886 alleles (0.00066%); highest among the groups gnomAD compares: African/African-American, 0.0024%; no homozygotes.

Submission:

Labcorp Genetics (formerly Invitae), Labcorp
Classification: Uncertain significance for Parathyroid carcinoma. Last evaluated: 2024-09-11. Review status: criteria provided, single submitter. Criteria: Invitae Variant Classification Sherloc (09022015). Collection method: clinical testing. Allele origin: germline.
Comment: This sequence change falls in intron 15 of the CDC73 gene. It does not directly change the encoded amino acid sequence of the CDC73 protein. RNA analysis indicates that this variant induces altered splicing and may result in an absent or altered protein product. This variant is present in population databases (no rsID available, gnomAD 0.01%). This variant has not been reported in the literature in individuals affected with CDC73-related conditions. Studies have shown that this variant results in activation of a cryptic splice site, and produces a non-functional protein and/or introduces a premature termination codon (internal data). In summary, the available evidence is currently insufficient to determine the role of this variant in disease. Therefore, it has been classified as a Variant of Uncertain Significance.